The following is an entry in ClinVar:

NM_144991.3(TSPEAR):c.1586G>C (p.Trp529Ser)

Genes: TSPEAR (thrombospondin type laminin G domain and EAR repeats; minus strand), TSPEAR-AS1 (TSPEAR antisense RNA 1; plus strand), LOC126653398 (CDK7 strongly-dependent group 2 enhancer GRCh37_chr21:45928270-45929469; plus strand). Cytogenetic location: 21q22.3.
Variant type: single nucleotide variant.
Coding change: c.1586G>C on transcript NM_144991.3 (MANE Select); coding-DNA position 1586, G replaced by C.
Protein change: p.Trp529Ser; replaces tryptophan 529 with serine.
Molecular consequence: missense variant. On other transcripts: non-coding transcript variant (1).
Genome position (GRCh38, 1-based): chr21:44,509,367, C>G on the plus strand (G>C on the coding strand, the complement: TSPEAR is on the minus strand). VCF-style: chr21-44509367-C-G. GRCh37 (hg19) VCF-style: chr21-45929250-C-G.
Other names: c.1382G>C, p.Trp461Ser (NM_001272037.2); short protein forms W461S, W529S.
Identifiers: ClinVar variation 1302643 (VCV001302643.2), dbSNP rs139468688, ClinGen allele CA410432237.

ClinVar aggregate classification (germline): Uncertain significance (1 of 4 stars; one submission).

gnomAD v4.1: 3 of 1,613,450 alleles (0.00019%); highest among the groups gnomAD compares: Non-Finnish European, 0.00025%; no homozygotes.

Submission:

GeneDx
Classification: Uncertain significance. Last evaluated: 2019-04-24. Review status: criteria provided, single submitter. Criteria: GeneDx Variant Classification Process June 2021. Collection method: clinical testing. Allele origin: germline. Affected: yes.
Comment: In silico analysis, which includes protein predictors and evolutionary conservation, supports a deleterious effect; Has not been previously published as pathogenic or benign to our knowledge